The following is an entry in ClinVar:

NM_000492.4(CFTR):c.1807G>T (p.Val603Phe)

Gene: CFTR (CF transmembrane conductance regulator; plus strand). Cytogenetic location: 7q31.2.
Variant type: single nucleotide variant.
Coding change: c.1807G>T on transcript NM_000492.4 (MANE Select); coding-DNA position 1807, G replaced by T.
Protein change: p.Val603Phe; replaces valine 603 with phenylalanine.
Molecular consequence: missense variant.
Genome position (GRCh38, 1-based): chr7:117,591,974, G>T. VCF-style: chr7-117591974-G-T. GRCh37 (hg19) VCF-style: chr7-117232028-G-T.
Other names: short protein forms V603F.
Identifiers: ClinVar variation 53393 (VCV000053393.2), dbSNP rs143036685, ClinGen allele CA326684.

ClinVar aggregate classification (germline): Uncertain significance. Review status: criteria provided, single submitter (1 of 4 stars). 2 submissions from 2 submitters: Uncertain significance (1). 1 of the submissions does not count toward it. Last evaluated 2022-09-05.

Conditions:
Cystic fibrosis (CF). Also called: MUCOVISCIDOSIS. Identifiers: Orphanet 586, MedGen C0010674, MONDO:0009061, OMIM 219700. Disease mechanism: loss of function.

Submissions (2):

Institute of Human Genetics, University of Leipzig Medical Center
Classification: Uncertain significance for Cystic fibrosis. Last evaluated: 2022-09-05. Review status: criteria provided, single submitter. Criteria: ACMG Guidelines, 2015. Collection method: curation. Allele origin: unknown. Affected: yes. Observed: 1 variant allele.
Comment: The variant was classified in the context of a project re-classifying variants in the German Cystic Fibrosis Registry (Muko.e.V.). Criteria applied: PM3, PM2_SUP, PP3

ClinVar Staff, National Center for Biotechnology Information (NCBI)
No classification provided. Condition: CFTR-related disorders. Review status: no classification provided. Collection method: literature only. Allele origin: germline. Affected: yes. Not counted in ClinVar's aggregate classification.

Literature cited by the submitters: PubMed 11788090 (cited by ClinVar Staff, National Center for Biotechnology Information (NCBI)).